The following is an entry in ClinVar:

ClinVar aggregate classification (germline): Uncertain significance. Review status: criteria provided, multiple submitters, no conflicts (2 of 4 stars). 2 submissions from 2 submitters: Uncertain significance (2). Last evaluated 2025-10-21.

Conditions:
Inborn genetic diseases. Identifiers: MedGen C0950123, MeSH D030342.

Allele frequency attached by ClinVar (database versions not stated): 1000 Genomes Project 30x 0.00047; 1000 Genomes Project 0.00040.
gnomAD v4.1: 566 of 1,613,398 alleles (0.035%); highest among the groups gnomAD compares: Non-Finnish European, 0.042%; 6 homozygotes.

Submissions (2):

Ambry Genetics
Classification: Uncertain significance for Inborn genetic diseases. Last evaluated: 2025-10-21. Review status: criteria provided, single submitter. Criteria: Ambry Variant Classification Scheme 2023. Collection method: clinical testing. Allele origin: germline.

Labcorp Genetics (formerly Invitae), Labcorp
Classification: Uncertain significance. Last evaluated: 2024-04-01. Review status: criteria provided, single submitter. Criteria: Invitae Variant Classification Sherloc (09022015). Collection method: clinical testing. Allele origin: germline.
Comment: This sequence change replaces isoleucine, which is neutral and non-polar, with serine, which is neutral and polar, at codon 839 of the LAMC2 protein (p.Ile839Ser). This variant is present in population databases (rs34419587, gnomAD 0.03%). This variant has not been reported in the literature in individuals affected with LAMC2-related conditions. ClinVar contains an entry for this variant (Variation ID: 2347787). Advanced modeling of protein sequence and biophysical properties (such as structural, functional, and spatial information, amino acid conservation, physicochemical variation, residue mobility, and thermodynamic stability) performed at Invitae indicates that this missense variant is not expected to disrupt LAMC2 protein function with a negative predictive value of 80%. In summary, the available evidence is currently insufficient to determine the role of this variant in disease. Therefore, it has been classified as a Variant of Uncertain Significance.

NM_005562.3(LAMC2):c.2516T>G (p.Ile839Ser)

Gene: LAMC2 (laminin subunit gamma 2; plus strand). Cytogenetic location: 1q25.3.
Variant type: single nucleotide variant.
Coding change: c.2516T>G on transcript NM_005562.3 (MANE Select); coding-DNA position 2516, T replaced by G.
Protein change: p.Ile839Ser; replaces isoleucine 839 with serine.
Molecular consequence: missense variant.
Genome position (GRCh38, 1-based): chr1:183,236,519, T>G. VCF-style: chr1-183236519-T-G. GRCh37 (hg19) VCF-style: chr1-183205654-T-G.
Other names: c.2516T>G, p.Ile839Ser (NM_018891.3); short protein forms I839S.
Identifiers: ClinVar variation 2347787 (VCV002347787.4), dbSNP rs34419587, ClinGen allele CA1282976.